The following is an entry in ClinVar:

ClinVar aggregate classification (germline): Uncertain significance (1 of 4 stars; one submission).

Allele frequency attached by ClinVar (database versions not stated): gnomAD exomes 0.00001.
gnomAD v4.1: 3 of 1,549,858 alleles (0.00019%); highest among the groups gnomAD compares: Admixed American, 0.002%; no homozygotes.

Submission:

Labcorp Genetics (formerly Invitae), Labcorp
Classification: Uncertain significance. Last evaluated: 2022-07-03. Review status: criteria provided, single submitter. Criteria: Invitae Variant Classification Sherloc (09022015). Collection method: clinical testing. Allele origin: germline.
Comment: In summary, the available evidence is currently insufficient to determine the role of this variant in disease. Therefore, it has been classified as a Variant of Uncertain Significance. Algorithms developed to predict the effect of missense changes on protein structure and function are either unavailable or do not agree on the potential impact of this missense change (SIFT: "Deleterious"; PolyPhen-2: "Probably Damaging"; Align-GVGD: "Class C15"). This variant has not been reported in the literature in individuals affected with FGFR3-related conditions. This variant is present in population databases (no rsID available, gnomAD 0.004%). This sequence change replaces serine, which is neutral and polar, with cysteine, which is neutral and slightly polar, at codon 427 of the FGFR3 protein (p.Ser427Cys).

NM_000142.5(FGFR3):c.1280C>G (p.Ser427Cys)

Gene: FGFR3 (fibroblast growth factor receptor 3; plus strand). Cytogenetic location: 4p16.3.
Variant type: single nucleotide variant.
Coding change: c.1280C>G on transcript NM_000142.5 (MANE Select); coding-DNA position 1280, C replaced by G.
Protein change: p.Ser427Cys; replaces serine 427 with cysteine.
Molecular consequence: missense variant. On other transcripts: non-coding transcript variant (1).
Genome position (GRCh38, 1-based): chr4:1,804,837, C>G. VCF-style: chr4-1804837-C-G. GRCh37 (hg19) VCF-style: chr4-1806564-C-G.
Other names: c.1286C>G, p.Ser429Cys (NM_001163213.2); c.1283C>G, p.Ser428Cys (NM_001354809.2, NM_001354810.2); c.944C>G, p.Ser315Cys (NM_022965.4); short protein forms S428C, S315C, S429C, S427C.
Identifiers: ClinVar variation 2064130 (VCV002064130.4), dbSNP rs1391325047, ClinGen allele CA355980042.